The following is an entry in ClinVar:

ClinVar aggregate classification (germline): Conflicting classifications of pathogenicity. Review status: criteria provided, conflicting classifications (1 of 4 stars). 2 submissions from 2 submitters: Uncertain significance (1); Likely benign (1). Last evaluated 2025-02-05.

Conditions:
Hereditary cancer-predisposing syndrome. Also called: Tumor predisposition; Hereditary neoplastic syndrome; Hereditary Cancer Syndrome; Neoplastic Syndromes, Hereditary. Identifiers: Orphanet 140162, MedGen C0027672, MeSH D009386, MONDO:0015356.
Gastrointestinal stromal tumor. Also called: Gastrointestinal stroma tumor; Gastrointestinal stromal tumor, somatic. Identifiers: Orphanet 44890, MedGen C0238198, MeSH D046152, MONDO:0011719, OMIM 606764, HP:0100723.

Allele frequency attached by ClinVar (database versions not stated): gnomAD 0.00001; TOPMed 0.00001.
gnomAD v4.1: 5 of 1,613,358 alleles (0.00031%); highest among the groups gnomAD compares: South Asian, 0.0033%; no homozygotes.

Submissions (2):

Labcorp Genetics (formerly Invitae), Labcorp
Classification: Uncertain significance for Gastrointestinal stromal tumor. Last evaluated: 2025-02-05. Review status: criteria provided, single submitter. Criteria: Invitae Variant Classification Sherloc (09022015). Collection method: clinical testing. Allele origin: germline.
Comment: This sequence change replaces alanine, which is neutral and non-polar, with glutamic acid, which is acidic and polar, at codon 7 of the PDGFRA protein (p.Ala7Glu). This variant is present in population databases (no rsID available, gnomAD 0.006%). This variant has not been reported in the literature in individuals affected with PDGFRA-related conditions. ClinVar contains an entry for this variant (Variation ID: 528538). An algorithm developed to predict the effect of missense changes on protein structure and function (PolyPhen-2) suggests that this variant is likely to be tolerated. In summary, the available evidence is currently insufficient to determine the role of this variant in disease. Therefore, it has been classified as a Variant of Uncertain Significance.

Ambry Genetics
Classification: Likely benign for Hereditary cancer-predisposing syndrome. Last evaluated: 2022-11-30. Review status: criteria provided, single submitter. Criteria: Ambry Variant Classification Scheme 2023. Collection method: clinical testing. Allele origin: germline.

NM_006206.6(PDGFRA):c.20C>A (p.Ala7Glu)

Gene: PDGFRA (platelet derived growth factor receptor alpha; plus strand). Cytogenetic location: 4q12.
Variant type: single nucleotide variant.
Coding change: c.20C>A on transcript NM_006206.6 (MANE Select); coding-DNA position 20, C replaced by A.
Protein change: p.Ala7Glu; replaces alanine 7 with glutamic acid.
Molecular consequence: missense variant.
Genome position (GRCh38, 1-based): chr4:54,258,788, C>A. VCF-style: chr4-54258788-C-A. GRCh37 (hg19) VCF-style: chr4-55124955-C-A.
Other names: c.20C>A, p.Ala7Glu (NM_001347827.2, NM_001347829.2); c.95C>A, p.Ala32Glu (NM_001347828.2); c.59C>A, p.Ala20Glu (NM_001347830.2); short protein forms A7E, A20E, A32E.
Identifiers: ClinVar variation 528538 (VCV000528538.11), dbSNP rs764472307, ClinGen allele CA356888071.